The following is an entry in ClinVar:

ClinVar aggregate classification (germline): Likely benign. Review status: criteria provided, multiple submitters, no conflicts (2 of 4 stars). 5 submissions from 5 submitters: Likely benign (5). Last evaluated 2025-04-26.

Conditions:
Ehlers-Danlos syndrome, type 4 (EDSVASC). Also called: Ehlers-Danlos Syndrome Type IV; Ehlers-Danlos syndrome vascular type; Ehlers Danlos syndrome, ecchymotic type; Ehlers Danlos syndrome, arterial type; Ehlers Danlos syndrome, Sack-Barabas type. Identifiers: Orphanet 286, MedGen C0268338, MONDO:0017314, OMIM 130050.
Familial thoracic aortic aneurysm and aortic dissection (TAAD). Also called: Thoracic aortic aneurysms and dissections. Identifiers: Orphanet 91387, MedGen C4707243, MONDO:0019625.

Allele frequency attached by ClinVar (database versions not stated): gnomAD exomes below 0.00001; gnomAD 0.00001.
gnomAD v4.1: 6 of 1,612,830 alleles (0.00037%); highest among the groups gnomAD compares: Non-Finnish European, 0.00051%; no homozygotes.

Submissions (5):

Labcorp Genetics (formerly Invitae), Labcorp
Classification: Likely benign for Ehlers-Danlos syndrome, type 4. Last evaluated: 2025-04-26. Review status: criteria provided, single submitter. Criteria: Invitae Variant Classification Sherloc (09022015). Collection method: clinical testing. Allele origin: germline.

All of Us Research Program, National Institutes of Health
Classification: Likely benign for Ehlers-Danlos syndrome, type 4. Last evaluated: 2024-03-05. Review status: criteria provided, single submitter. Criteria: ACMG Guidelines, 2015. Collection method: clinical testing. Allele origin: germline. Inheritance: Autosomal dominant inheritance. Observed: 1 variant allele, 1 heterozygote.
Comment: This study involves interpretation of variants in research participants for the purpose of population health screening. Participant phenotype was not available at the time of variant classification. Additional details can be found in publication PMID: 35346344, PMCID: PMC8962531

Ambry Genetics
Classification: Likely benign for Familial thoracic aortic aneurysm and aortic dissection. Last evaluated: 2023-06-19. Review status: criteria provided, single submitter. Criteria: Ambry Variant Classification Scheme 2023. Collection method: clinical testing. Allele origin: germline.

Color Diagnostics, LLC DBA Color Health
Classification: Likely benign for Familial thoracic aortic aneurysm and aortic dissection. Last evaluated: 2021-07-06. Review status: criteria provided, single submitter. Criteria: ACMG Guidelines, 2015. Collection method: clinical testing. Allele origin: germline.

GeneDx
Classification: Likely benign. Last evaluated: 2018-08-09. Review status: criteria provided, single submitter. Criteria: GeneDx Variant Classification Process June 2021. Collection method: clinical testing. Allele origin: germline. Affected: yes.

NM_000090.4(COL3A1):c.2709G>A (p.Gly903=)

Gene: COL3A1 (collagen type III alpha 1 chain; plus strand). Cytogenetic location: 2q32.2.
Variant type: single nucleotide variant.
Coding change: c.2709G>A on transcript NM_000090.4 (MANE Select); coding-DNA position 2709, G replaced by A.
Protein change: p.Gly903=; no amino-acid change (glycine 903 retained).
Molecular consequence: synonymous variant.
Genome position (GRCh38, 1-based): chr2:189,004,029, G>A. VCF-style: chr2-189004029-G-A. GRCh37 (hg19) VCF-style: chr2-189868755-G-A.
Identifiers: ClinVar variation 392507 (VCV000392507.16), dbSNP rs1057524521, ClinGen allele CA16603973.